The following is an entry in ClinVar:

ClinVar aggregate classification (germline): Uncertain significance (1 of 4 stars; one submission).

gnomAD v4.1: 3 of 1,208,348 alleles (0.00025%); highest among the groups gnomAD compares: Non-Finnish European, 0.00022%; no homozygotes.

Submission:

Women's Health and Genetics/Laboratory Corporation of America, LabCorp
Classification: Uncertain significance. Last evaluated: 2024-09-18. Review status: criteria provided, single submitter. Criteria: LabCorp Variant Classification Summary - May 2015. Collection method: clinical testing. Allele origin: germline.
Comment: Variant summary: USP9X c.1684A>G (p.Asn562Asp) results in a conservative amino acid change in the encoded protein sequence. Four of five in-silico tools predict a benign effect of the variant on protein function. The variant allele was found at a frequency of 5.7e-06 in 176521 control chromosomes. The available data on variant occurrences in the general population are insufficient to allow any conclusion about variant significance. To our knowledge, no occurrence of c.1684A>G in individuals affected with Mental Retardation, X-Linked 99 and no experimental evidence demonstrating its impact on protein function have been reported. No submitters have cited clinical-significance assessments for this variant to ClinVar. Based on the evidence outlined above, the variant was classified as uncertain significance.

NM_001039591.3(USP9X):c.1684A>G (p.Asn562Asp)

Gene: USP9X (ubiquitin specific peptidase 9 X-linked; plus strand). Cytogenetic location: Xp11.4.
Variant type: single nucleotide variant.
Coding change: c.1684A>G on transcript NM_001039591.3 (MANE Select); coding-DNA position 1684, A replaced by G.
Protein change: p.Asn562Asp; replaces asparagine 562 with aspartic acid.
Molecular consequence: missense variant.
Genome position (GRCh38, 1-based): chrX:41,150,978, A>G. VCF-style: chrX-41150978-A-G. GRCh37 (hg19) VCF-style: chrX-41010231-A-G.
Other names: c.1684A>G, p.Asn562Asp (NM_001039590.3, NM_001410748.1, NM_001410749.1); short protein forms N562D.
Identifiers: ClinVar variation 3375385 (VCV003375385.1).